The following is an entry in ClinVar:

NM_024675.4(PALB2):c.1495T>G (p.Leu499Val)

Gene: PALB2 (partner and localizer of BRCA2; minus strand). Cytogenetic location: 16p12.2.
Variant type: single nucleotide variant.
Coding change: c.1495T>G on transcript NM_024675.4 (MANE Select); coding-DNA position 1495, T replaced by G.
Protein change: p.Leu499Val; replaces leucine 499 with valine.
Molecular consequence: missense variant. On other transcripts: intron variant (3).
Genome position (GRCh38, 1-based): chr16:23,635,051, A>C on the plus strand (T>G on the coding strand, the complement: PALB2 is on the minus strand). VCF-style: chr16-23635051-A-C. GRCh37 (hg19) VCF-style: chr16-23646372-A-C.
Other names: c.1435T>G, p.Leu479Val (NM_001407296.1); c.1495T>G, p.Leu499Val (NM_001407297.1, NM_001407298.1, NM_001407299.1 and 3 more transcripts); c.610T>G, p.Leu204Val (NM_001407304.1, NM_001407305.1, NM_001407306.1 and 5 more transcripts); c.49-5776T>G (NM_001407314.1); c.-104-4582T>G (NM_001407313.1, NM_001407312.1); short protein forms L204V, L499V, L479V.
Identifiers: ClinVar variation 3646536 (VCV003646536.2).

ClinVar aggregate classification (germline): Uncertain significance (1 of 4 stars; one submission).

Conditions:
Familial cancer of breast. Also called: hereditary breast carcinoma; BREAST CANCER, FAMILIAL; Hereditary breast cancer. Identifiers: Orphanet 227535, MedGen C0346153, MONDO:0016419, OMIM 114480. Disease mechanism: loss of function.

Submission:

Labcorp Genetics (formerly Invitae), Labcorp
Classification: Uncertain significance for Familial cancer of breast. Last evaluated: 2024-03-18. Review status: criteria provided, single submitter. Criteria: Invitae Variant Classification Sherloc (09022015). Collection method: clinical testing. Allele origin: germline.
Comment: This sequence change replaces leucine, which is neutral and non-polar, with valine, which is neutral and non-polar, at codon 499 of the PALB2 protein (p.Leu499Val). This variant is not present in population databases (gnomAD no frequency). This variant has not been reported in the literature in individuals affected with PALB2-related conditions. Advanced modeling of protein sequence and biophysical properties (such as structural, functional, and spatial information, amino acid conservation, physicochemical variation, residue mobility, and thermodynamic stability) performed at Invitae indicates that this missense variant is not expected to disrupt PALB2 protein function with a negative predictive value of 80%. In summary, the available evidence is currently insufficient to determine the role of this variant in disease. Therefore, it has been classified as a Variant of Uncertain Significance.